The following is an entry in ClinVar:

ClinVar aggregate classification (germline): Uncertain significance (1 of 4 stars; one submission).

gnomAD v4.1: 16 of 1,613,774 alleles (0.00099%); highest among the groups gnomAD compares: Non-Finnish European, 0.0014%; no homozygotes.

Submission:

Genetic Services Laboratory, University of Chicago
Classification: Uncertain significance. Last evaluated: 2023-02-13. Review status: criteria provided, single submitter. Criteria: ACMG Guidelines, 2015. Collection method: clinical testing. Allele origin: germline. Affected: no.
Comment: This sequence change is in intron 7, c.844-8C>A. This change does not appear to have been previously described in individuals with CSF3R-related disorders. This sequence change has been described in the gnomAD database in one individual which corresponds to a population frequency of 0.0004% (dbSNP rs200218331). In-silico splice prediction programs provide inconclusive results for this sequence change. The functional significance of this sequence change is not known at present and its contribution to this individual's disease phenotype cannot definitively be determined.

NM_000760.4(CSF3R):c.844-8C>A

Gene: CSF3R (colony stimulating factor 3 receptor; minus strand). Cytogenetic location: 1p34.3.
Variant type: single nucleotide variant.
Coding change: c.844-8C>A on transcript NM_000760.4 (MANE Select); 8 bases into the intron before coding-DNA position 844, C replaced by A.
Molecular consequence: intron variant.
Genome position (GRCh38, 1-based): chr1:36,472,399, G>T on the plus strand (C>A on the coding strand, the complement: CSF3R is on the minus strand). VCF-style: chr1-36472399-G-T. GRCh37 (hg19) VCF-style: chr1-36938000-G-T.
Other names: c.844-8C>A (NM_156039.3, NM_172313.3).
Identifiers: ClinVar variation 4082412 (VCV004082412.2).